The following is an entry in ClinVar:

ClinVar aggregate classification (germline): Pathogenic. Review status: criteria provided, single submitter (1 of 4 stars). 3 submissions from 3 submitters: Pathogenic (1). 2 of the submissions do not count toward it. Last evaluated 2023-08-25.

Conditions:
Neurodevelopmental disorder. Identifiers: MedGen C1535926, MeSH D065886, MONDO:0700092.
Neurodevelopmental disorder with hypotonia and speech delay, with or without seizures (NEDHSS). Identifiers: MedGen C5830654, MONDO:0957541, OMIM 620455.

Submissions (3):

GeneDx
Classification: Pathogenic. Last evaluated: 2023-08-25. Review status: criteria provided, single submitter. Criteria: GeneDx Variant Classification Process June 2021. Collection method: clinical testing. Allele origin: germline. Affected: yes.
Comment: Published functional studies suggest a damaging effect (Paul et al., 2023); Not observed at significant frequency in large population cohorts (gnomAD); In silico analysis supports that this missense variant has a deleterious effect on protein structure/function; This variant is associated with the following publications: (PMID: 36528028)

OMIM
Classification: Pathogenic for NEURODEVELOPMENTAL DISORDER WITH HYPOTONIA AND SPEECH DELAY, WITH SEIZURES. Last evaluated: 2023-07-31. Review status: no assertion criteria provided. Collection method: literature only. Allele origin: germline. Not counted in ClinVar's aggregate classification.

Gene Discovery Core-Manton Center, Boston Children's Hospital
Classification: Likely pathogenic for Neurodevelopmental disorder. Review status: no assertion criteria provided. Collection method: clinical testing. Allele origin: de novo. Affected: yes. Observed: 1 variant allele. Not counted in ClinVar's aggregate classification.

Literature cited by the submitters: PubMed 36528028 (cited by OMIM).

NM_001967.4(EIF4A2):c.647C>T (p.Thr216Ile)

Gene: EIF4A2 (eukaryotic translation initiation factor 4A2; plus strand). Cytogenetic location: 3q27.3.
Variant type: single nucleotide variant.
Coding change: c.647C>T on transcript NM_001967.4 (MANE Select); coding-DNA position 647, C replaced by T.
Protein change: p.Thr216Ile; replaces threonine 216 with isoleucine.
Molecular consequence: missense variant.
Genome position (GRCh38, 1-based): chr3:186,786,521, C>T. VCF-style: chr3-186786521-C-T. GRCh37 (hg19) VCF-style: chr3-186504310-C-T.
Other names: short protein forms T216I.
Identifiers: ClinVar variation 1712520 (VCV001712520.3), dbSNP rs2473970934, ClinGen allele CA355723495.
Genomic context (GRCh38, chr3:186,786,521, plus strand): 5'-AATGTGTAAGTTGTGCTACAACATAATTTTCTCTTTTTAAGGTTGTGTTGCTTTCTGCCA[C>T]AATGCCAACTGATGTGTTGGAAGTGACCAAAAAATTCATGAGAGATCCAATTCGAATTCT-3'
Protein context (NP_001958.2, residues 206-226): TSIQVVLLSA[Thr216Ile]MPTDVLEVTK